The following is an entry in ClinVar:

ClinVar aggregate classification (germline): Uncertain significance. Review status: criteria provided, multiple submitters, no conflicts (2 of 4 stars). 3 submissions from 3 submitters: Uncertain significance (3). Last evaluated 2025-11-14.

Conditions:
Hereditary cancer-predisposing syndrome. Also called: Tumor predisposition; Neoplastic Syndromes, Hereditary; Hereditary Cancer Syndrome; Hereditary neoplastic syndrome. Identifiers: Orphanet 140162, MedGen C0027672, MeSH D009386, MONDO:0015356.
Multiple endocrine neoplasia, type 1 (MEN1). Also called: MEA I; MEN I; WERMER SYNDROME; Endocrine adenomatosis multiple; MEN 1. Identifiers: Orphanet 652, MedGen C0025267, MeSH D018761, MONDO:0007540, OMIM 131100.

Submissions (3):

Labcorp Genetics (formerly Invitae), Labcorp
Classification: Uncertain significance for Multiple endocrine neoplasia, type 1. Last evaluated: 2025-11-14. Review status: criteria provided, single submitter. Criteria: Invitae Variant Classification Sherloc (09022015). Collection method: clinical testing. Allele origin: germline.
Comment: This sequence change replaces proline, which is neutral and non-polar, with leucine, which is neutral and non-polar, at codon 538 of the MEN1 protein (p.Pro538Leu). This variant is not present in population databases (gnomAD no frequency). This variant has not been reported in the literature in individuals affected with MEN1-related conditions. ClinVar contains an entry for this variant (Variation ID: 2624636). Invitae Evidence Modeling of protein sequence and biophysical properties (such as structural, functional, and spatial information, amino acid conservation, physicochemical variation, residue mobility, and thermodynamic stability) indicates that this missense variant is not expected to disrupt MEN1 protein function with a negative predictive value of 80%. In summary, the available evidence is currently insufficient to determine the role of this variant in disease. Therefore, it has been classified as a Variant of Uncertain Significance.

GeneDx
Classification: Uncertain significance. Last evaluated: 2025-07-09. Review status: criteria provided, single submitter. Criteria: GeneDx Variant Classification Process June 2021. Collection method: clinical testing. Allele origin: germline. Affected: yes.
Comment: Not observed at significant frequency in large population cohorts (gnomAD); In silico analysis supports that this missense variant has a deleterious effect on protein structure/function; Has not been previously published as pathogenic or benign to our knowledge

Ambry Genetics
Classification: Uncertain significance for Hereditary cancer-predisposing syndrome. Last evaluated: 2023-07-27. Review status: criteria provided, single submitter. Criteria: Ambry Variant Classification Scheme 2023. Collection method: clinical testing. Allele origin: germline.
Comment: The p.P538L variant (also known as c.1613C>T), located in coding exon 9 of the MEN1 gene, results from a C to T substitution at nucleotide position 1613. The proline at codon 538 is replaced by leucine, an amino acid with similar properties. This amino acid position is conserved. In addition, the in silico prediction for this alteration is inconclusive. Since supporting evidence is limited at this time, the clinical significance of this alteration remains unclear.

NM_001370259.2(MEN1):c.1613C>T (p.Pro538Leu)

Gene: MEN1 (menin 1; minus strand). Cytogenetic location: 11q13.1.
Variant type: single nucleotide variant.
Coding change: c.1613C>T on transcript NM_001370259.2 (MANE Select); coding-DNA position 1613, C replaced by T.
Protein change: p.Pro538Leu; replaces proline 538 with leucine.
Molecular consequence: missense variant. On other transcripts: non-coding transcript variant (4).
Genome position (GRCh38, 1-based): chr11:64,804,554, G>A on the plus strand (C>T on the coding strand, the complement: MEN1 is on the minus strand). VCF-style: chr11-64804554-G-A. GRCh37 (hg19) VCF-style: chr11-64572026-G-A.
Other names: c.1628C>T, p.Pro543Leu (NM_130801.3, NM_130802.3, NM_130803.3 and 4 more transcripts); c.1508C>T, p.Pro503Leu (NM_001407148.1, NM_001407149.1, NM_001370262.2 and 1 more transcripts); c.1754C>T, p.Pro585Leu (NM_001407150.1); c.1634C>T, p.Pro545Leu (NM_001407151.1); c.1448C>T, p.Pro483Leu (NM_001407152.1); c.1613C>T, p.Pro538Leu (NM_130799.3, NM_001370260.2, NM_001370261.2 and 2 more transcripts); c.1739C>T, p.Pro580Leu (NM_001370251.2, NM_001407142.1, NM_001407143.1 and 1 more transcripts); short protein forms P585L, P545L, P503L, P538L, P483L, P543L, P580L.
Identifiers: ClinVar variation 2624636 (VCV002624636.4), dbSNP rs2497111129, ClinGen allele CA381178110.